The following is an entry in ClinVar:

NM_000535.7(PMS2):c.2231A>T (p.Glu744Val)

Gene: PMS2 (PMS1 homolog 2, mismatch repair system component; minus strand). Cytogenetic location: 7p22.1.
Variant type: single nucleotide variant.
Coding change: c.2231A>T on transcript NM_000535.7 (MANE Select); coding-DNA position 2231, A replaced by T.
Protein change: p.Glu744Val; replaces glutamic acid 744 with valine.
Molecular consequence: missense variant. On other transcripts: non-coding transcript variant (1), intron variant (2).
Genome position (GRCh38, 1-based): chr7:5,978,640, T>A on the plus strand (A>T on the coding strand, the complement: PMS2 is on the minus strand). VCF-style: chr7-5978640-T-A. GRCh37 (hg19) VCF-style: chr7-6018271-T-A.
Other names: c.1826A>T, p.Glu609Val (NM_001406891.1, NM_001406892.1, NM_001406893.1 and 14 more transcripts); c.1670A>T, p.Glu557Val (NM_001406906.1, NM_001406907.1, NM_001322010.2); c.1658A>T, p.Glu553Val (NM_001406909.1, NM_001406908.1, NM_001322013.2); c.1028A>T, p.Glu343Val (NM_001406912.1); c.1460A>T, p.Glu487Val (NM_001406911.1); c.2075A>T, p.Glu692Val (NM_001322006.2, NM_001406870.1); c.1913A>T, p.Glu638Val (NM_001322007.2, NM_001322008.2, NM_001406876.1 and 1 more transcripts); c.1298A>T, p.Glu433Val (NM_001322011.2, NM_001322012.2); and 16 more; short protein forms E343V, E582V, E622V, E638V, E678V, E752V, E573V, E586V.
Identifiers: ClinVar variation 4140519 (VCV004140519.1).

ClinVar aggregate classification (germline): Uncertain significance (1 of 4 stars; one submission).

Conditions:
Hereditary cancer-predisposing syndrome. Also called: Hereditary neoplastic syndrome; Neoplastic Syndromes, Hereditary; Tumor predisposition; Hereditary Cancer Syndrome. Identifiers: Orphanet 140162, MedGen C0027672, MeSH D009386, MONDO:0015356.

Submission:

Ambry Genetics
Classification: Uncertain significance for Hereditary cancer-predisposing syndrome. Last evaluated: 2025-09-12. Review status: criteria provided, single submitter. Criteria: Ambry Variant Classification Scheme 2023. Collection method: clinical testing. Allele origin: germline.
Comment: The p.E744V variant (also known as c.2231A>T), located in coding exon 13 of the PMS2 gene, results from an A to T substitution at nucleotide position 2231. The glutamic acid at codon 744 is replaced by valine, an amino acid with dissimilar properties. This amino acid position is conserved. In addition, the in silico prediction for this alteration is inconclusive. Based on the available evidence, the clinical significance of this variant remains unclear.